The following is an entry in ClinVar:

ClinVar aggregate classification (germline): Uncertain significance. Review status: criteria provided, multiple submitters, no conflicts (2 of 4 stars). 2 submissions from 2 submitters: Uncertain significance (2). Last evaluated 2025-04-04.

Conditions:
Inborn genetic diseases. Identifiers: MedGen C0950123, MeSH D030342.

Allele frequency attached by ClinVar (database versions not stated): ExAC 0.00004; gnomAD exomes 0.00005; gnomAD 0.00007 and 0.00006; TOPMed 0.00007; ESP Exome Variant Server 0.00015.
gnomAD v4.1: 147 of 1,613,698 alleles (0.0091%); highest among the groups gnomAD compares: Non-Finnish European, 0.012%; no homozygotes.

Submissions (2):

Ambry Genetics
Classification: Uncertain significance for Inborn genetic diseases. Last evaluated: 2025-04-04. Review status: criteria provided, single submitter. Criteria: Ambry Variant Classification Scheme 2023. Collection method: clinical testing. Allele origin: germline.

Women's Health and Genetics/Laboratory Corporation of America, LabCorp
Classification: Uncertain significance. Last evaluated: 2022-06-16. Review status: criteria provided, single submitter. Criteria: LabCorp Variant Classification Summary - May 2015. Collection method: clinical testing. Allele origin: germline.
Comment: Variant summary: LAMB3 c.1721G>A (p.Arg574His) results in a non-conservative amino acid change located in the Laminin-type EGF domain (IPR002049) of the encoded protein sequence. Four of five in-silico tools predict a benign effect of the variant on protein function. The variant allele was found at a frequency of 5.6e-05 in 250846 control chromosomes (gnomAD, Schellevis_2019). This frequency is not significantly higher than expected for a pathogenic variant in LAMB3 causing Junctional Epidermolysis Bullosa (5.6e-05 vs 0.0024), allowing no conclusion about variant significance. To our knowledge, no occurence of c.1721G>A in individuals affected with Junctional Epidermolysis Bullosa and no experimental evidence demonstrating an impact on protein function has been reported. No clinical diagnostic laboratories have submitted clinical-significance assessments for this variant to ClinVar after 2014. Based on the evidence outlined above, the variant was classified as uncertain significance.

Literature cited by the submitters: PubMed 31036833 (cited by Women's Health and Genetics/Laboratory Corporation of America, LabCorp).

NM_000228.3(LAMB3):c.1721G>A (p.Arg574His)

Gene: LAMB3 (laminin subunit beta 3; minus strand). Cytogenetic location: 1q32.2.
Variant type: single nucleotide variant.
Coding change: c.1721G>A on transcript NM_000228.3 (MANE Select); coding-DNA position 1721, G replaced by A.
Protein change: p.Arg574His; replaces arginine 574 with histidine.
Molecular consequence: missense variant.
Genome position (GRCh38, 1-based): chr1:209,625,903, C>T on the plus strand (G>A on the coding strand, the complement: LAMB3 is on the minus strand). VCF-style: chr1-209625903-C-T. GRCh37 (hg19) VCF-style: chr1-209799248-C-T.
Other names: c.1721G>A, p.Arg574His (NM_001017402.2, NM_001127641.1); short protein forms R574H.
Identifiers: ClinVar variation 1698574 (VCV001698574.5), dbSNP rs370280436, ClinGen allele CA1375482.
Genomic context (GRCh38, chr1:209,625,903, plus strand): 5'-TCCCGGAGGTCCGCATCATAGGTCTGGAAGCAAGGGTGGCAGGCCACGCACACCGGGTAG[C>T]GATTACAGTAGCCTCGCTGGCACTGGTCACAGCGGGGCCCGGTCAAGCCAGGGCGGCAGA-3'
Protein context (NP_000219.2, residues 564-584): CDQCQRGYCN[Arg574His]YPVCVACHPC